The following is an entry in ClinVar:

ClinVar aggregate classification (germline): Uncertain significance (1 of 4 stars; one submission).

Conditions:
Familial acute necrotizing encephalopathy (IIAE3). Also called: ENCEPHALOPATHY, ACUTE, INFECTION-INDUCED, SUSCEPTIBILITY TO, 3; Susceptibility to Acute Necrotizing Encephalopathy 1. Identifiers: Orphanet 88619, MedGen C2675556, MONDO:0011953, OMIM 608033.

Allele frequency attached by ClinVar (database versions not stated): gnomAD exomes below 0.00001; gnomAD 0.00002; TOPMed 0.00002.
gnomAD v4.1: 6 of 1,613,778 alleles (0.00037%); highest among the groups gnomAD compares: African/African-American, 0.0067%; no homozygotes.

Submission:

Labcorp Genetics (formerly Invitae), Labcorp
Classification: Uncertain significance for Familial acute necrotizing encephalopathy. Last evaluated: 2020-09-10. Review status: criteria provided, single submitter. Criteria: Invitae Variant Classification Sherloc (09022015). Collection method: clinical testing. Allele origin: germline.
Comment: In summary, the available evidence is currently insufficient to determine the role of this variant in disease. Therefore, it has been classified as a Variant of Uncertain Significance. Algorithms developed to predict the effect of missense changes on protein structure and function are either unavailable or do not agree on the potential impact of this missense change (SIFT: "Deleterious"; PolyPhen-2: "Benign"; Align-GVGD: "Class C0"). This variant has not been reported in the literature in individuals with RANBP2-related conditions. This variant is not present in population databases (ExAC no frequency). This sequence change replaces glutamic acid with lysine at codon 1537 of the RANBP2 protein (p.Glu1537Lys). The glutamic acid residue is weakly conserved and there is a small physicochemical difference between glutamic acid and lysine.

NM_006267.5(RANBP2):c.4609G>A (p.Glu1537Lys)

Gene: RANBP2 (RAN binding protein 2; plus strand). Cytogenetic location: 2q13.
Variant type: single nucleotide variant.
Coding change: c.4609G>A on transcript NM_006267.5 (MANE Select); coding-DNA position 4609, G replaced by A.
Protein change: p.Glu1537Lys; replaces glutamic acid 1537 with lysine.
Molecular consequence: missense variant.
Genome position (GRCh38, 1-based): chr2:108,765,148, G>A. VCF-style: chr2-108765148-G-A. GRCh37 (hg19) VCF-style: chr2-109381604-G-A.
Other names: short protein forms E1537K.
Identifiers: ClinVar variation 1014243 (VCV001014243.9), dbSNP rs1375081547, ClinGen allele CA348068255.